The following is an entry in ClinVar:

NM_000127.3(EXT1):c.785dup (p.Tyr262Ter)

Gene: EXT1 (exostosin glycosyltransferase 1; minus strand). Cytogenetic location: 8q24.11.
Variant type: Duplication.
Coding change: c.785dup on transcript NM_000127.3 (MANE Select); coding-DNA position 785, one base duplicated (A; older notation c.785dupA).
Protein change: p.Tyr262Ter; replaces tyrosine 262 with a stop codon.
Molecular consequence: nonsense.
Genome position (GRCh38, 1-based): chr8:118,110,262, T duplicated on the plus strand (A on the coding strand, the reverse complement: EXT1 is on the minus strand). VCF-style (leftmost placement, unchanged base first): chr8-118110261-G-GT. GRCh37 (hg19) VCF-style: chr8-119122500-G-GT.
Other names: short protein forms Y262*.
Identifiers: ClinVar variation 3723400 (VCV003723400.2).
Genomic context (GRCh38, chr8:118,110,261, plus strand): 5'-GGCATTCCTGGTGTCTGATCCTATCCCTGTCAGGTACCTCTTCCCCTTGAATACCAGCAT[G>GT]TACTTCCTGAGAGGAGGGATGGTGTTGAACTTCAAAAACCCCCTCTCCCCTCCTGTCCTG-3'

ClinVar aggregate classification (germline): Pathogenic (1 of 4 stars; one submission).

Conditions:
Multiple congenital exostosis (EXT). Also called: MULTIPLE CARTILAGINOUS EXOSTOSES; Multiple exostoses; Hereditary multiple osteochondromas; Hereditary multiple exostoses; Hereditary multiple exostosis; Multiple osteochondromas. Identifiers: Orphanet 321, MedGen C0015306, MONDO:0005508, HP:0002762.

Submission:

Labcorp Genetics (formerly Invitae), Labcorp
Classification: Pathogenic for Multiple congenital exostosis. Last evaluated: 2024-10-21. Review status: criteria provided, single submitter. Criteria: Invitae Variant Classification Sherloc (09022015). Collection method: clinical testing. Allele origin: germline.
Comment: This sequence change creates a premature translational stop signal (p.Tyr262*) in the EXT1 gene. It is expected to result in an absent or disrupted protein product. Loss-of-function variants in EXT1 are known to be pathogenic (PMID: 10679937, 11391482, 19810120). This variant is not present in population databases (gnomAD no frequency). This variant has not been reported in the literature in individuals affected with EXT1-related conditions. For these reasons, this variant has been classified as Pathogenic.

Literature cited by the submitters: PubMed 10679937; PubMed 11391482; PubMed 19810120.